The following is an entry in ClinVar:

NM_001382391.1(CSPP1):c.821A>G (p.His274Arg)

Gene: CSPP1 (centrosome and spindle pole associated protein 1; plus strand). Cytogenetic location: 8q13.1.
Variant type: single nucleotide variant.
Coding change: c.821A>G on transcript NM_001382391.1 (MANE Select); coding-DNA position 821, A replaced by G.
Protein change: p.His274Arg; replaces histidine 274 with arginine.
Molecular consequence: missense variant. On other transcripts: 5 prime UTR variant (1).
Genome position (GRCh38, 1-based): chr8:67,095,630, A>G. VCF-style: chr8-67095630-A-G. GRCh37 (hg19) VCF-style: chr8-68007865-A-G.
Other names: c.-35A>G (NM_001291339.2); c.740A>G, p.His247Arg (NM_001363131.2, NM_001363133.2); c.821A>G, p.His274Arg (NM_001363132.2); c.929A>G, p.His310Arg (NM_001364869.1); c.848A>G, p.His283Arg (NM_001364870.1, NM_024790.7); short protein forms H274R, H247R, H283R, H310R.
Identifiers: ClinVar variation 938184 (VCV000938184.9), dbSNP rs377496424, ClinGen allele CA4770368.
Genomic context (GRCh38, chr8:67,095,630, plus strand): 5'-GCATTCCAGATAGAAGATTTCACAGATTTAATGAGGATCGTGTTTTTGATAGACGGTATC[A>G]TAGACCAGACCAAGATCCTGAAGTAAGTGAAGAAATGGATGAGAGGTTTAGATATGAAAG-3'
Protein context (NP_001369320.1, residues 264-284): NEDRVFDRRY[His274Arg]RPDQDPEVSE

ClinVar aggregate classification (germline): Uncertain significance. Review status: criteria provided, multiple submitters, no conflicts (2 of 4 stars). 3 submissions from 3 submitters: Uncertain significance (3). Last evaluated 2023-05-18.

Conditions:
Inborn genetic diseases. Identifiers: MedGen C0950123, MeSH D030342.
Joubert syndrome 21 (JBTS21). Identifiers: MedGen C3810212, MONDO:0014288, OMIM 615636.

Allele frequency attached by ClinVar (database versions not stated): gnomAD 0.00002 and 0.00003; TOPMed 0.00005; gnomAD exomes 0.00006; ExAC 0.00007; ESP Exome Variant Server 0.00008.
gnomAD v4.1: 91 of 1,613,744 alleles (0.0056%); highest among the groups gnomAD compares: South Asian, 0.018%; no homozygotes.

Submissions (3):

Ambry Genetics
Classification: Uncertain significance for Inborn genetic diseases. Last evaluated: 2023-05-18. Review status: criteria provided, single submitter. Criteria: Ambry Variant Classification Scheme 2023. Collection method: clinical testing. Allele origin: germline.

Labcorp Genetics (formerly Invitae), Labcorp
Classification: Uncertain significance for Joubert syndrome 21. Last evaluated: 2022-10-25. Review status: criteria provided, single submitter. Criteria: Invitae Variant Classification Sherloc (09022015). Collection method: clinical testing. Allele origin: germline.
Comment: This sequence change replaces histidine, which is basic and polar, with arginine, which is basic and polar, at codon 283 of the CSPP1 protein (p.His283Arg). This variant is present in population databases (rs377496424, gnomAD 0.04%). This variant has not been reported in the literature in individuals affected with CSPP1-related conditions. ClinVar contains an entry for this variant (Variation ID: 938184). Algorithms developed to predict the effect of missense changes on protein structure and function (SIFT, PolyPhen-2, Align-GVGD) all suggest that this variant is likely to be tolerated. In summary, the available evidence is currently insufficient to determine the role of this variant in disease. Therefore, it has been classified as a Variant of Uncertain Significance.

Breakthrough Genomics
Classification: Uncertain significance. Review status: criteria provided, single submitter. Criteria: ACMG Guidelines, 2015. Collection method: not provided. Allele origin: germline. Inheritance: Autosomal recessive inheritance. Affected: yes.